The following is an entry in ClinVar:

ClinVar aggregate classification (germline): Uncertain significance. Review status: criteria provided, multiple submitters, no conflicts (2 of 4 stars). 2 submissions from 2 submitters: Uncertain significance (2). Last evaluated 2024-10-25.

Allele frequency attached by ClinVar (database versions not stated): gnomAD exomes below 0.00001; ExAC 0.00001.
gnomAD v4.1: 3 of 1,614,258 alleles (0.00019%); highest among the groups gnomAD compares: Non-Finnish European, 0.00025%; no homozygotes.

Submissions (2):

Labcorp Genetics (formerly Invitae), Labcorp
Classification: Uncertain significance. Last evaluated: 2024-10-25. Review status: criteria provided, single submitter. Criteria: Invitae Variant Classification Sherloc (09022015). Collection method: clinical testing. Allele origin: germline.
Comment: This sequence change replaces arginine, which is basic and polar, with histidine, which is basic and polar, at codon 38 of the DPF2 protein (p.Arg38His). This variant is present in population databases (rs760880895, gnomAD 0.0009%). This variant has not been reported in the literature in individuals affected with DPF2-related conditions. An algorithm developed to predict the effect of missense changes on protein structure and function (PolyPhen-2) suggests that this variant is likely to be disruptive. In summary, the available evidence is currently insufficient to determine the role of this variant in disease. Therefore, it has been classified as a Variant of Uncertain Significance.

Blueprint Genetics
Classification: Uncertain significance. Last evaluated: 2024-02-12. Review status: criteria provided, single submitter. Criteria: ACMG Guidelines, 2015. Collection method: clinical testing. Allele origin: germline.

NM_006268.5(DPF2):c.113G>A (p.Arg38His)

Gene: DPF2 (double PHD fingers 2; plus strand). Cytogenetic location: 11q13.1.
Variant type: single nucleotide variant.
Coding change: c.113G>A on transcript NM_006268.5 (MANE Select); coding-DNA position 113, G replaced by A.
Protein change: p.Arg38His; replaces arginine 38 with histidine.
Molecular consequence: missense variant.
Genome position (GRCh38, 1-based): chr11:65,340,465, G>A. VCF-style: chr11-65340465-G-A. GRCh37 (hg19) VCF-style: chr11-65107936-G-A.
Other names: c.113G>A, p.Arg38His (NM_001330308.2); short protein forms R38H.
Identifiers: ClinVar variation 2764894 (VCV002764894.4), dbSNP rs760880895, ClinGen allele CA6095174.